The following is an entry in ClinVar:

NM_000163.5(GHR):c.857T>C (p.Leu286Ser)

Gene: GHR (growth hormone receptor; plus strand). Cytogenetic location: 5p12.
Variant type: single nucleotide variant.
Coding change: c.857T>C on transcript NM_000163.5 (MANE Select); coding-DNA position 857, T replaced by C.
Protein change: p.Leu286Ser; replaces leucine 286 with serine.
Molecular consequence: missense variant.
Genome position (GRCh38, 1-based): chr5:42,713,501, T>C. VCF-style: chr5-42713501-T-C. GRCh37 (hg19) VCF-style: chr5-42713603-T-C.
Other names: c.878T>C, p.Leu293Ser (NM_001242399.2); c.857T>C, p.Leu286Ser (NM_001242400.2, NM_001242401.4, NM_001242402.2 and 5 more transcripts); c.791T>C, p.Leu264Ser (NM_001242460.2); short protein forms L264S, L286S, L293S.
Identifiers: ClinVar variation 3339550 (VCV003339550.1).
Genomic context (GRCh38, chr5:42,713,501, plus strand): 5'-CATGGCTCTTAATTATTATCTTTGGAATATTTGGGCTAACAGTGATGCTATTTGTATTCT[T>C]ATTTTCTAAACAGCAAAGGTAGGTGTGGAGTAGTATTCTTTGGTATTTTGTACCAGTTGT-3'
Protein context (NP_000154.1, residues 276-296): FGLTVMLFVF[Leu286Ser]FSKQQRIKML

ClinVar aggregate classification (germline): Uncertain significance (1 of 4 stars; one submission).

gnomAD v4.1: 5 of 1,435,166 alleles (0.00035%); highest among the groups gnomAD compares: Non-Finnish European, 0.00039%; no homozygotes.

Submission:

Women's Health and Genetics/Laboratory Corporation of America, LabCorp
Classification: Uncertain significance. Last evaluated: 2024-06-13. Review status: criteria provided, single submitter. Criteria: LabCorp Variant Classification Summary - May 2015. Collection method: clinical testing. Allele origin: germline.
Comment: Variant summary: GHR c.857T>C (p.Leu286Ser) results in a non-conservative amino acid change in the encoded protein sequence. Three of five in-silico tools predict a benign effect of the variant on protein function. The variant was absent in 249012 control chromosomes (gnomAD). The available data on variant occurrences in the general population are insufficient to allow any conclusion about variant significance. To our knowledge, no occurrence of c.857T>C in individuals affected with Growth Hormone Insensitivity and no experimental evidence demonstrating its impact on protein function have been reported. No submitters have cited clinical-significance assessments for this variant to ClinVar. Based on the evidence outlined above, the variant was classified as uncertain significance.